The following is an entry in ClinVar:

ClinVar aggregate classification (germline): Uncertain significance (1 of 4 stars; one submission).

Allele frequency attached by ClinVar (database versions not stated): gnomAD exomes below 0.00001.
gnomAD v4.1: 1 of 1,552,466 alleles (0.000064%); highest among the groups gnomAD compares: Non-Finnish European, 0.000087%; no homozygotes.

Submission:

GeneDx
Classification: Uncertain significance. Last evaluated: 2019-08-11. Review status: criteria provided, single submitter. Criteria: GeneDx Variant Classification Process June 2021. Collection method: clinical testing. Allele origin: germline. Affected: yes.
Comment: Not observed in large population cohorts (Lek et al., 2016); In silico analysis, which includes protein predictors and evolutionary conservation, supports that this variant does not alter protein structure/function; Has not been previously published as pathogenic or benign to our knowledge

NM_001244008.2(KIF1A):c.871G>A (p.Gly291Arg)

Gene: KIF1A (kinesin family member 1A; minus strand). Cytogenetic location: 2q37.3.
Variant type: single nucleotide variant.
Coding change: c.871G>A on transcript NM_001244008.2 (MANE Select); coding-DNA position 871, G replaced by A.
Protein change: p.Gly291Arg; replaces glycine 291 with arginine.
Molecular consequence: missense variant.
Genome position (GRCh38, 1-based): chr2:240,782,601, C>T on the plus strand (G>A on the coding strand, the complement: KIF1A is on the minus strand). VCF-style: chr2-240782601-C-T. GRCh37 (hg19) VCF-style: chr2-241722018-C-T.
Other names: c.871G>A, p.Gly291Arg (NM_001320705.2, NM_001330289.2, NM_001330290.2 and 20 more transcripts); short protein forms G291R.
Identifiers: ClinVar variation 1307488 (VCV001307488.2), dbSNP rs201050463, ClinGen allele CA351301591.
Genomic context (GRCh38, chr2:240,782,601, plus strand): 5'-CCGCCACCAGCCTCCCGCACCTGCCCCGGGGCTGAAGGAAGCCGCTTACCTTGTTGGGTC[C>T]GGAGTCCTGAAAAGGAAAAGACAGAGAGAGGCTGAGGCCCGGAGCGAAGCTGGCGCGGGC-3'
Protein context (NP_001230937.1, residues 281-301): VISALAEMDS[Gly291Arg]PNKNKKKKKT